The following is an entry in ClinVar:

NM_020822.3(KCNT1):c.1925A>C (p.Lys642Thr)

Gene: KCNT1 (potassium sodium-activated channel subfamily T member 1; plus strand). Cytogenetic location: 9q34.3.
Variant type: single nucleotide variant.
Coding change: c.1925A>C on transcript NM_020822.3 (MANE Select); coding-DNA position 1925, A replaced by C.
Protein change: p.Lys642Thr; replaces lysine 642 with threonine.
Molecular consequence: missense variant.
Genome position (GRCh38, 1-based): chr9:135,771,012, A>C. VCF-style: chr9-135771012-A-C. GRCh37 (hg19) VCF-style: chr9-138662858-A-C.
Other names: c.1790A>C, p.Lys597Thr (NM_001272003.2); short protein forms K597T, K642T.
Identifiers: ClinVar variation 3752677 (VCV003752677.2).

ClinVar aggregate classification (germline): Uncertain significance (1 of 4 stars; one submission).

Conditions:
Autosomal dominant nocturnal frontal lobe epilepsy 5. Also called: KCNT1-Related Epilepsy; CILIARY DYSKINESIA, PRIMARY, 28, WITHOUT SITUS INVERSUS; CILIARY DYSKINESIA, PRIMARY, 28, WITH SITUS INVERSUS; Epilepsy, nocturnal frontal lobe, 5. Identifiers: Orphanet 98784, MedGen C3554306, MONDO:0014002, OMIM 615005.
Developmental and epileptic encephalopathy, 14 (DEE14). Also called: Early infantile epileptic encephalopathy 14. Identifiers: Orphanet 293181, MedGen C3554195, MONDO:0013989, OMIM 614959.

gnomAD v4.1: 6 of 1,613,644 alleles (0.00037%); highest among the groups gnomAD compares: Non-Finnish European, 0.00051%; no homozygotes.

Submission:

Labcorp Genetics (formerly Invitae), Labcorp
Classification: Uncertain significance for Autosomal dominant nocturnal frontal lobe epilepsy 5; Developmental and epileptic encephalopathy, 14. Last evaluated: 2025-09-02. Review status: criteria provided, single submitter. Criteria: Invitae Variant Classification Sherloc (09022015). Collection method: clinical testing. Allele origin: germline.
Comment: This sequence change replaces lysine, which is basic and polar, with threonine, which is neutral and polar, at codon 642 of the KCNT1 protein (p.Lys642Thr). This variant is present in population databases (rs146733790, gnomAD 0.002%). This variant has not been reported in the literature in individuals affected with KCNT1-related conditions. ClinVar contains an entry for this variant (Variation ID: 3752677). Invitae Evidence Modeling of protein sequence and biophysical properties (such as structural, functional, and spatial information, amino acid conservation, physicochemical variation, residue mobility, and thermodynamic stability) indicates that this missense variant is not expected to disrupt KCNT1 protein function with a negative predictive value of 80%. In summary, the available evidence is currently insufficient to determine the role of this variant in disease. Therefore, it has been classified as a Variant of Uncertain Significance.